The following is an entry in ClinVar:

NM_015971.4(MRPS7):c.25G>A (p.Ala9Thr)

Genes: GGA3 (golgi associated, gamma adaptin ear containing, ARF binding protein 3; minus strand), MRPS7 (mitochondrial ribosomal protein S7; plus strand). Cytogenetic location: 17q25.1.
Variant type: single nucleotide variant.
Coding change: c.25G>A on transcript NM_015971.4 (MANE Select); coding-DNA position 25, G replaced by A.
Protein change: p.Ala9Thr; replaces alanine 9 with threonine.
Molecular consequence: missense variant. On other transcripts: intron variant (2).
Genome position (GRCh38, 1-based): chr17:75,261,925, G>A. VCF-style: chr17-75261925-G-A. GRCh37 (hg19) VCF-style: chr17-73258006-G-A.
Other names: c.-228+357C>T (NM_001172704.3); c.-177+357C>T (NM_001172703.3); short protein forms A9T.
Identifiers: ClinVar variation 3013826 (VCV003013826.4), dbSNP rs369793292, ClinGen allele CA8760165.

ClinVar aggregate classification (germline): Uncertain significance. Review status: criteria provided, multiple submitters, no conflicts (2 of 4 stars). 2 submissions from 2 submitters: Uncertain significance (2). Last evaluated 2024-09-09.

Allele frequency attached by ClinVar (database versions not stated): ExAC 0.00005; ESP Exome Variant Server 0.00008.

Submissions (2):

Ambry Genetics
Classification: Uncertain significance. Last evaluated: 2024-09-09. Review status: criteria provided, single submitter. Criteria: Ambry Variant Classification Scheme 2023. Collection method: clinical testing. Allele origin: germline.

Labcorp Genetics (formerly Invitae), Labcorp
Classification: Uncertain significance. Last evaluated: 2023-11-16. Review status: criteria provided, single submitter. Criteria: Invitae Variant Classification Sherloc (09022015). Collection method: clinical testing. Allele origin: germline.
Comment: This sequence change replaces alanine, which is neutral and non-polar, with threonine, which is neutral and polar, at codon 9 of the MRPS7 protein (p.Ala9Thr). This variant is present in population databases (rs369793292, gnomAD 0.007%). This variant has not been reported in the literature in individuals affected with MRPS7-related conditions. An algorithm developed to predict the effect of missense changes on protein structure and function (PolyPhen-2) suggests that this variant is likely to be tolerated. In summary, the available evidence is currently insufficient to determine the role of this variant in disease. Therefore, it has been classified as a Variant of Uncertain Significance.